The following is an entry in ClinVar:

NM_000286.3(PEX12):c.485C>G (p.Ala162Gly)

Gene: PEX12 (peroxisomal biogenesis factor 12; minus strand). Cytogenetic location: 17q12.
Variant type: single nucleotide variant.
Coding change: c.485C>G on transcript NM_000286.3 (MANE Select); coding-DNA position 485, C replaced by G.
Protein change: p.Ala162Gly; replaces alanine 162 with glycine.
Molecular consequence: missense variant.
Genome position (GRCh38, 1-based): chr17:35,577,233, G>C on the plus strand (C>G on the coding strand, the complement: PEX12 is on the minus strand). VCF-style: chr17-35577233-G-C. GRCh37 (hg19) VCF-style: chr17-33904252-G-C.
Other names: short protein forms A162G.
Identifiers: ClinVar variation 1406595 (VCV001406595.8), dbSNP rs2142230649, ClinGen allele CA399138031.

ClinVar aggregate classification (germline): Uncertain significance (1 of 4 stars; one submission).

Conditions:
Peroxisome biogenesis disorder 3A (Zellweger). Also called: PEROXISOMAL BIOGENESIS DISORDER 3A (ZELLWEGER); Peroxisome biogenesis disorder 3A. Identifiers: Orphanet 912, MedGen C3553929, MONDO:0013927, OMIM 614859.

Allele frequency attached by ClinVar (database versions not stated): gnomAD exomes below 0.00001.
gnomAD v4.1: 1 of 1,614,208 alleles (0.000062%); highest among the groups gnomAD compares: Middle Eastern, 0.016%; no homozygotes.

Submission:

Labcorp Genetics (formerly Invitae), Labcorp
Classification: Uncertain significance for Peroxisome biogenesis disorder 3A (Zellweger). Last evaluated: 2025-04-17. Review status: criteria provided, single submitter. Criteria: Invitae Variant Classification Sherloc (09022015). Collection method: clinical testing. Allele origin: germline.
Comment: This sequence change replaces alanine, which is neutral and non-polar, with glycine, which is neutral and non-polar, at codon 162 of the PEX12 protein (p.Ala162Gly). This variant is not present in population databases (gnomAD no frequency). This variant has not been reported in the literature in individuals affected with PEX12-related conditions. ClinVar contains an entry for this variant (Variation ID: 1406595). Invitae Evidence Modeling of protein sequence and biophysical properties (such as structural, functional, and spatial information, amino acid conservation, physicochemical variation, residue mobility, and thermodynamic stability) indicates that this missense variant is not expected to disrupt PEX12 protein function with a negative predictive value of 80%. In summary, the available evidence is currently insufficient to determine the role of this variant in disease. Therefore, it has been classified as a Variant of Uncertain Significance.